The following is an entry in ClinVar:

ClinVar aggregate classification (germline): Uncertain significance (1 of 4 stars; one submission).

Conditions:
Hereditary cancer-predisposing syndrome. Also called: Tumor predisposition; Hereditary Cancer Syndrome; Hereditary neoplastic syndrome; Neoplastic Syndromes, Hereditary. Identifiers: Orphanet 140162, MedGen C0027672, MeSH D009386, MONDO:0015356.

Submission:

Ambry Genetics
Classification: Uncertain significance for Hereditary cancer-predisposing syndrome. Last evaluated: 2024-06-24. Review status: criteria provided, single submitter. Criteria: Ambry Variant Classification Scheme 2023. Collection method: clinical testing. Allele origin: germline.
Comment: The p.R52P variant (also known as c.155G>C), located in coding exon 1 of the MEN1 gene, results from a G to C substitution at nucleotide position 155. The arginine at codon 52 is replaced by proline, an amino acid with dissimilar properties. This amino acid position is conserved. In addition, this alteration is predicted to be deleterious by in silico analysis. Based on the available evidence, the clinical significance of this variant remains unclear.

NM_001370259.2(MEN1):c.155G>C (p.Arg52Pro)

Gene: MEN1 (menin 1; minus strand). Cytogenetic location: 11q13.1.
Variant type: single nucleotide variant.
Coding change: c.155G>C on transcript NM_001370259.2 (MANE Select); coding-DNA position 155, G replaced by C.
Protein change: p.Arg52Pro; replaces arginine 52 with proline.
Molecular consequence: missense variant. On other transcripts: non-coding transcript variant (4).
Genome position (GRCh38, 1-based): chr11:64,809,955, C>G on the plus strand (G>C on the coding strand, the complement: MEN1 is on the minus strand). VCF-style: chr11-64809955-C-G. GRCh37 (hg19) VCF-style: chr11-64577427-C-G.
Other names: c.155G>C, p.Arg52Pro (NM_000244.4, NM_001370251.2, NM_001407152.1 and 20 more transcripts); short protein forms R52P.
Identifiers: ClinVar variation 3294230 (VCV003294230.1).